The following is an entry in ClinVar:

NM_001023.4(RPS20):c.4-1G>C

Gene: RPS20 (ribosomal protein S20; minus strand). Cytogenetic location: 8q12.1.
Variant type: single nucleotide variant.
Coding change: c.4-1G>C on transcript NM_001023.4 (MANE Select); the canonical splice acceptor site of the intron before coding-DNA position 4, G replaced by C.
Molecular consequence: splice acceptor variant.
Genome position (GRCh38, 1-based): chr8:56,074,160, C>G on the plus strand (G>C on the coding strand, the complement: RPS20 is on the minus strand). VCF-style: chr8-56074160-C-G. GRCh37 (hg19) VCF-style: chr8-56986719-C-G.
Other names: c.4-1G>C (NM_001146227.3).
Identifiers: ClinVar variation 3947631 (VCV003947631.1).
Genomic context (GRCh38, chr8:56,074,160, plus strand): 5'-TCGAATTCGGTGAATTGCCACCTCCGGCTCCACGGGTGTTTTTCCGGTATCCTTAAAAGC[C>G]TATTATTAGATACATGAAAAAGAACAATAAGCCAAAAATGGTCTGCCACTTCTGGAGAAA-3'

ClinVar aggregate classification (germline): Uncertain significance (1 of 4 stars; one submission).

gnomAD v4.1: 1 of 1,609,730 alleles (0.000062%); highest among the groups gnomAD compares: South Asian, 0.0011%; no homozygotes.

Submission:

Ambry Genetics
Classification: Uncertain significance. Last evaluated: 2025-04-02. Review status: criteria provided, single submitter. Criteria: Ambry Variant Classification Scheme 2023. Collection method: clinical testing. Allele origin: germline.
Comment: The c.4-1G>C intronic variant results from a G to C substitution one nucleotide upstream from coding exon 2 of the RPS20 gene. This nucleotide position is highly conserved in available vertebrate species. In silico splice site analysis predicts that this alteration will weaken the native splice acceptor site and will result in the creation or strengthening of a novel splice acceptor site. Alterations that disrupt the canonical splice site are expected to cause aberrant splicing, resulting in an abnormal protein or a transcript that is subject to nonsense-mediated mRNA decay. Based on the available evidence, the clinical significance of this variant remains unclear.